The following is an entry in ClinVar:

NM_014629.4(ARHGEF10):c.3700C>A (p.Gln1234Lys)

Gene: ARHGEF10 (Rho guanine nucleotide exchange factor 10; plus strand). Cytogenetic location: 8p23.3.
Variant type: single nucleotide variant.
Coding change: c.3700C>A on transcript NM_014629.4 (MANE Select); coding-DNA position 3700, C replaced by A.
Protein change: p.Gln1234Lys; replaces glutamine 1234 with lysine.
Molecular consequence: missense variant.
Genome position (GRCh38, 1-based): chr8:1,956,928, C>A. VCF-style: chr8-1956928-C-A. GRCh37 (hg19) VCF-style: chr8-1905094-C-A.
Other names: c.3586C>A, p.Gln1196Lys (NM_001308152.2); c.3700C>A, p.Gln1234Lys (NM_001308153.3); short protein forms Q1234K, Q1258K, Q1196K.
Identifiers: ClinVar variation 3660009 (VCV003660009.2).

ClinVar aggregate classification (germline): Uncertain significance (1 of 4 stars; one submission).

Submission:

Labcorp Genetics (formerly Invitae), Labcorp
Classification: Uncertain significance. Last evaluated: 2024-07-22. Review status: criteria provided, single submitter. Criteria: Invitae Variant Classification Sherloc (09022015). Collection method: clinical testing. Allele origin: germline.
Comment: This sequence change replaces glutamine, which is neutral and polar, with lysine, which is basic and polar, at codon 1234 of the ARHGEF10 protein (p.Gln1234Lys). This variant is not present in population databases (gnomAD no frequency). This variant has not been reported in the literature in individuals affected with ARHGEF10-related conditions. An algorithm developed to predict the effect of missense changes on protein structure and function (PolyPhen-2) suggests that this variant is likely to be tolerated. In summary, the available evidence is currently insufficient to determine the role of this variant in disease. Therefore, it has been classified as a Variant of Uncertain Significance.